The following is an entry in ClinVar:

NM_002524.5(NRAS):c.112-7C>T

Gene: NRAS (NRAS proto-oncogene, GTPase; minus strand). Cytogenetic location: 1p13.2.
Variant type: single nucleotide variant.
Coding change: c.112-7C>T on transcript NM_002524.5 (MANE Select); 7 bases into the intron before coding-DNA position 112, C replaced by T.
Molecular consequence: intron variant.
Genome position (GRCh38, 1-based): chr1:114,713,985, G>A on the plus strand (C>T on the coding strand, the complement: NRAS is on the minus strand). VCF-style: chr1-114713985-G-A. GRCh37 (hg19) VCF-style: chr1-115256606-G-A.
Identifiers: ClinVar variation 2901819 (VCV002901819.17), dbSNP rs1396496270, ClinGen allele CA525631033.

ClinVar aggregate classification (germline): Conflicting classifications of pathogenicity. Review status: criteria provided, conflicting classifications (1 of 4 stars). 2 submissions from 2 submitters: Uncertain significance (1); Likely benign (1). Last evaluated 2025-02-20.

Conditions:
RASopathy. Also called: rasopathies; Noonan spectrum disorder. Identifiers: Orphanet 536391, MedGen C5555857, MONDO:0021060.

Allele frequency attached by ClinVar (database versions not stated): gnomAD exomes below 0.00001; gnomAD 0.00001; TOPMed 0.00001.
gnomAD v4.1: 6 of 1,542,962 alleles (0.00039%); highest among the groups gnomAD compares: Middle Eastern, 0.017%; no homozygotes.

Submissions (2):

Labcorp Genetics (formerly Invitae), Labcorp
Classification: Likely benign for RASopathy. Last evaluated: 2025-02-20. Review status: criteria provided, single submitter. Criteria: Invitae Variant Classification Sherloc (09022015). Collection method: clinical testing. Allele origin: germline.

CeGaT Center for Human Genetics Tuebingen
Classification: Uncertain significance. Last evaluated: 2024-11-01. Review status: criteria provided, single submitter. Criteria: CeGaT Center For Human Genetics Tuebingen Variant Classification Criteria Version 2. Collection method: clinical testing. Allele origin: germline. Affected: yes. Observed: 1 variant allele.
Comment: NRAS: PM2:Supporting, BP4